The following is an entry in ClinVar:

NC_000012.11:g.(102155542_102157979)_(102190541_102224336)del

Gene: GNPTAB (N-acetylglucosamine-1-phosphate transferase subunits alpha and beta; minus strand). Cytogenetic location: 12q23.2.
Variant type: Deletion.
Identifiers: ClinVar variation 3769558 (VCV003769558.2).

ClinVar aggregate classification (germline): Pathogenic (1 of 4 stars; one submission).

Conditions:
Pseudo-Hurler polydystrophy. Also called: ML III; ML III ALPHA/BETA; MUCOLIPIDOSIS IIIA; Type III Mucolipidosis; ML IIIA; Mucolipidosis III Alpha/Beta. Identifiers: Orphanet 423461, Orphanet 577, MedGen C0033788, MONDO:0018931, OMIM 252600.

Submission:

Women's Health and Genetics/Laboratory Corporation of America, LabCorp
Classification: Pathogenic for Pseudo-Hurler polydystrophy. Last evaluated: 2025-01-16. Review status: criteria provided, single submitter. Criteria: LabCorp Variant Classification Summary - May 2015. Collection method: clinical testing. Allele origin: germline.
Comment: Variant summary: The variant involves the deletion of exons 2-13 in the GNPTAB gene. A presumed nomenclature of c.(117+1_118-1)_(2715+1_2716-1)del has been designated for the purposes of this classification. This Copy Number Variant (CNV) is predicted to result in an in-frame deletion within this gene. The variant was absent in 21694 control chromosomes. c.(117+1_118-1)_(2715+1_2716-1)del has been reported in the literature in at least one individual affected with mucolipidosis (Velho_2019). To our knowledge, no experimental evidence demonstrating an impact on protein function has been reported. Missense variants within this region of the protein have been submitted as pathogenic/likely pathogenic to ClinVar by our laboratory and by other contributors, indicating this region is important for protein function. The following publication has been ascertained in the context of this evaluation (PMID: 30882951). No submitters have cited clinical-significance assessments for this variant to ClinVar. Based on the evidence outlined above, the variant was classified as pathogenic.

Literature cited by the submitters: PubMed 30882951.